The following is an entry in ClinVar:

ClinVar aggregate classification (germline): Likely pathogenic (1 of 4 stars; one submission).

Conditions:
HUWE1-related disorder. Also called: HUWE1-related condition.

Submission:

PreventionGenetics, part of Exact Sciences
Classification: Likely pathogenic for HUWE1-related condition. Last evaluated: 2025-03-07. Review status: criteria provided, single submitter. Criteria: ACMG Guidelines, 2015. Collection method: clinical testing. Allele origin: germline.
Comment: The HUWE1 c.12919C>T variant is predicted to result in the amino acid substitution p.Pro4307Ser. To our knowledge, this variant has not been reported in the literature or in a large population database (gnomAD), indicating this variant is rare. Of note, this variant is located within the HECT domain of the protein, where an overrepresentation of pathogenic missense variants has been detected (Moortgat et al. 2018. PubMed ID: 29180823). This variant is interpreted as likely pathogenic.

NM_031407.7(HUWE1):c.12919C>T (p.Pro4307Ser)

Gene: HUWE1 (HECT, UBA and WWE domain containing E3 ubiquitin protein ligase 1; minus strand). Cytogenetic location: Xp11.22.
Variant type: single nucleotide variant.
Coding change: c.12919C>T on transcript NM_031407.7 (MANE Select); coding-DNA position 12919, C replaced by T.
Protein change: p.Pro4307Ser; replaces proline 4307 with serine.
Molecular consequence: missense variant.
Genome position (GRCh38, 1-based): chrX:53,534,110, G>A on the plus strand (C>T on the coding strand, the complement: HUWE1 is on the minus strand). VCF-style: chrX-53534110-G-A. GRCh37 (hg19) VCF-style: chrX-53561071-G-A.
Other names: c.12871C>T, p.Pro4291Ser (NM_001441048.1, NM_001441053.1, NM_001441058.1); c.12874C>T, p.Pro4292Ser (NM_001441049.1, NM_001441054.1); c.12895C>T, p.Pro4299Ser (NM_001441050.1, NM_001441055.1); c.12916C>T, p.Pro4306Ser (NM_001441051.1, NM_001441056.1); c.12517C>T, p.Pro4173Ser (NM_001441052.1); c.12919C>T, p.Pro4307Ser (NM_001441057.1); short protein forms P4291S, P4306S, P4173S, P4292S, P4299S, P4307S.
Identifiers: ClinVar variation 4999416 (VCV004999416.1).